The following is an entry in ClinVar:

NM_205836.3(FBXO38):c.1484A>G (p.Asn495Ser)

Gene: FBXO38 (F-box protein 38; plus strand). Cytogenetic location: 5q32.
Variant type: single nucleotide variant.
Coding change: c.1484A>G on transcript NM_205836.3 (MANE Select); coding-DNA position 1484, A replaced by G.
Protein change: p.Asn495Ser; replaces asparagine 495 with serine.
Molecular consequence: missense variant.
Genome position (GRCh38, 1-based): chr5:148,417,070, A>G. VCF-style: chr5-148417070-A-G. GRCh37 (hg19) VCF-style: chr5-147796633-A-G.
Other names: c.1484A>G, p.Asn495Ser (NM_001271723.2, NM_030793.5); short protein forms N495S.
Identifiers: ClinVar variation 2892026 (VCV002892026.3), dbSNP rs753598712, ClinGen allele CA3497292.

ClinVar aggregate classification (germline): Uncertain significance (1 of 4 stars; one submission).

Conditions:
Distal hereditary motor neuropathy type 2. Identifiers: Orphanet 139525, MedGen C3711384, MeSH C580044, MONDO:0015352.

Allele frequency attached by ClinVar (database versions not stated): gnomAD exomes below 0.00001; ExAC 0.00001; gnomAD 0.00004; TOPMed 0.00005.
gnomAD v4.1: 8 of 1,613,578 alleles (0.0005%); highest among the groups gnomAD compares: African/African-American, 0.008%; no homozygotes.

Submission:

Labcorp Genetics (formerly Invitae), Labcorp
Classification: Uncertain significance for Distal hereditary motor neuropathy type 2. Last evaluated: 2024-02-23. Review status: criteria provided, single submitter. Criteria: Invitae Variant Classification Sherloc (09022015). Collection method: clinical testing. Allele origin: germline.
Comment: This sequence change replaces asparagine, which is neutral and polar, with serine, which is neutral and polar, at codon 495 of the FBXO38 protein (p.Asn495Ser). This variant is present in population databases (rs753598712, gnomAD 0.01%). This variant has not been reported in the literature in individuals affected with FBXO38-related conditions. Advanced modeling of protein sequence and biophysical properties (such as structural, functional, and spatial information, amino acid conservation, physicochemical variation, residue mobility, and thermodynamic stability) performed at Invitae indicates that this missense variant is not expected to disrupt FBXO38 protein function with a negative predictive value of 80%. In summary, the available evidence is currently insufficient to determine the role of this variant in disease. Therefore, it has been classified as a Variant of Uncertain Significance.